The following is an entry in ClinVar:

ClinVar aggregate classification (germline): Pathogenic. Review status: criteria provided, multiple submitters, no conflicts (2 of 4 stars). 4 submissions from 4 submitters: Pathogenic (4). Last evaluated 2025-12-10.

Conditions:
Retinitis pigmentosa (RP). Identifiers: Orphanet 791, MedGen C0035334, MeSH D012174, MONDO:0019200, OMIM 268000. Inheritance: Autosomal dominant, autosomal recessive and X linked inheritance.
Severe early-childhood-onset retinal dystrophy (STGD1). Also called: MACULAR DYSTROPHY WITH FLECKS, TYPE 1; STGD; Stargardt macular dystrophy; Juvenile onset macular degeneration; Stargardt disease 1. Identifiers: Orphanet 364055, Orphanet 827, MedGen C1855465, MeSH D000080362, MONDO:0009549, OMIM 248200.

Submissions (4):

Research Institute for Ophthalmology and Vision Science, Shahid Beheshti University of Medical Sciences
Classification: Pathogenic for Severe early-childhood-onset retinal dystrophy. Last evaluated: 2025-12-10. Review status: criteria provided, single submitter. Criteria: ACMG Guidelines, 2015. Collection method: research. Allele origin: inherited. Inheritance: Autosomal recessive inheritance. Affected: yes.
Comment: NM_000350.3(ABCA4):c.4128+1G>A is a null variant absent from gnomAD databases. The variant is classified as pathogenic by other submitters in ClinVar.

Lab De Baere, Eye and Developmental Genetics Lab, Ghent University
Classification: Pathogenic for Retinitis pigmentosa. Last evaluated: 2024-10-01. Review status: criteria provided, single submitter. Criteria: ACMG Guidelines, 2015. Collection method: research. Allele origin: inherited. Affected: yes. Observed: 1 variant allele.
Comment: ACMG/AMP guidelines: PM2, PVS1, PM3_PS

CeGaT Center for Human Genetics Tuebingen
Classification: Pathogenic. Last evaluated: 2022-08-01. Review status: criteria provided, single submitter. Criteria: CeGaT Center For Human Genetics Tuebingen Variant Classification Criteria Version 2. Collection method: clinical testing. Allele origin: germline. Affected: yes. Observed: 1 variant allele.
Comment: ABCA4: PVS1, PM2

Genome-Nilou Lab
Classification: Pathogenic for Severe early-childhood-onset retinal dystrophy. Last evaluated: 2021-09-10. Review status: criteria provided, single submitter. Criteria: ACMG Guidelines, 2015. Collection method: clinical testing. Allele origin: germline. Affected: yes.

Literature cited by the submitters: PubMed 28041643 (cited by Research Institute for Ophthalmology and Vision Science, Shahid Beheshti University of Medical Sciences).

NM_000350.3(ABCA4):c.4128+1G>A

Gene: ABCA4 (ATP binding cassette subfamily A member 4; minus strand). Cytogenetic location: 1p22.1.
Variant type: single nucleotide variant.
Coding change: c.4128+1G>A on transcript NM_000350.3 (MANE Select); the canonical splice donor site of the intron after coding-DNA position 4128, G replaced by A.
Molecular consequence: splice donor variant.
Genome position (GRCh38, 1-based): chr1:94,031,777, C>T on the plus strand (G>A on the coding strand, the complement: ABCA4 is on the minus strand). VCF-style: chr1-94031777-C-T. GRCh37 (hg19) VCF-style: chr1-94497333-C-T.
Identifiers: ClinVar variation 1342853 (VCV001342853.33), dbSNP rs2101036750, ClinGen allele CA341286670.
Genomic context (GRCh38, chr1:94,031,777, plus strand): 5'-AGGAGGGGAAGGCTGGGAGAGGAGCCACTGAGCTCAGCTAAACACCGACCGACAATAGTA[C>T]CTGCGCCAGGAAGTCCTTGTGGCTGCGGATGGTGTGTTGGAATCTCTTGACCAGCAGCGC-3'